The following is an entry in ClinVar:

ClinVar aggregate classification (germline): Conflicting classifications of pathogenicity. Review status: criteria provided, conflicting classifications (1 of 4 stars). 2 submissions from 2 submitters: Uncertain significance (1); Likely benign (1). Last evaluated 2025-08-29.

Submissions (2):

Ambry Genetics
Classification: Likely benign. Last evaluated: 2025-08-29. Review status: criteria provided, single submitter. Criteria: Ambry Variant Classification Scheme 2023. Collection method: clinical testing. Allele origin: germline.

Labcorp Genetics (formerly Invitae), Labcorp
Classification: Uncertain significance. Last evaluated: 2024-09-06. Review status: criteria provided, single submitter. Criteria: Invitae Variant Classification Sherloc (09022015). Collection method: clinical testing. Allele origin: germline.
Comment: This sequence change replaces isoleucine, which is neutral and non-polar, with valine, which is neutral and non-polar, at codon 72 of the COX6A1 protein (p.Ile72Val). This variant is not present in population databases (gnomAD no frequency). This variant has not been reported in the literature in individuals affected with COX6A1-related conditions. ClinVar contains an entry for this variant (Variation ID: 1432403). An algorithm developed to predict the effect of missense changes on protein structure and function outputs the following: PolyPhen-2: "Benign". The valine amino acid residue is found in multiple mammalian species, which suggests that this missense change does not adversely affect protein function. In summary, the available evidence is currently insufficient to determine the role of this variant in disease. Therefore, it has been classified as a Variant of Uncertain Significance.

NM_004373.4(COX6A1):c.214A>G (p.Ile72Val)

Gene: COX6A1 (cytochrome c oxidase subunit 6A1; plus strand). Cytogenetic location: 12q24.31.
Variant type: single nucleotide variant.
Coding change: c.214A>G on transcript NM_004373.4 (MANE Select); coding-DNA position 214, A replaced by G.
Protein change: p.Ile72Val; replaces isoleucine 72 with valine.
Molecular consequence: missense variant.
Genome position (GRCh38, 1-based): chr12:120,438,489, A>G. VCF-style: chr12-120438489-A-G. GRCh37 (hg19) VCF-style: chr12-120876292-A-G.
Other names: c.214A>G (NM_004373.2); short protein forms I72V.
Identifiers: ClinVar variation 1432403 (VCV001432403.8), dbSNP rs2137030876, ClinGen allele CA386569718.